The following is an entry in ClinVar:

ClinVar aggregate classification (germline): Uncertain significance (1 of 4 stars; one submission).

Submission:

Labcorp Genetics (formerly Invitae), Labcorp
Classification: Uncertain significance. Last evaluated: 2022-08-31. Review status: criteria provided, single submitter. Criteria: Invitae Variant Classification Sherloc (09022015). Collection method: clinical testing. Allele origin: germline.
Comment: This sequence change replaces valine, which is neutral and non-polar, with alanine, which is neutral and non-polar, at codon 713 of the BCL11B protein (p.Val713Ala). This variant is not present in population databases (gnomAD no frequency). This variant has not been reported in the literature in individuals affected with BCL11B-related conditions. Algorithms developed to predict the effect of missense changes on protein structure and function are either unavailable or do not agree on the potential impact of this missense change (SIFT: "Deleterious"; PolyPhen-2: "Benign"; Align-GVGD: "Class C0"). In summary, the available evidence is currently insufficient to determine the role of this variant in disease. Therefore, it has been classified as a Variant of Uncertain Significance.

NM_138576.4(BCL11B):c.2138T>C (p.Val713Ala)

Gene: BCL11B (BCL11 transcription factor B; minus strand). Cytogenetic location: 14q32.2.
Variant type: single nucleotide variant.
Coding change: c.2138T>C on transcript NM_138576.4 (MANE Select); coding-DNA position 2138, T replaced by C.
Protein change: p.Val713Ala; replaces valine 713 with alanine.
Molecular consequence: missense variant.
Genome position (GRCh38, 1-based): chr14:99,174,698, A>G on the plus strand (T>C on the coding strand, the complement: BCL11B is on the minus strand). VCF-style: chr14-99174698-A-G. GRCh37 (hg19) VCF-style: chr14-99641035-A-G.
Other names: c.2135T>C, p.Val712Ala (NM_001282237.2); c.1922T>C, p.Val641Ala (NM_001282238.2); c.1925T>C, p.Val642Ala (NM_022898.3); short protein forms V641A, V642A, V712A, V713A.
Identifiers: ClinVar variation 1718503 (VCV001718503.5), dbSNP rs200197315, ClinGen allele CA390933877.
Genomic context (GRCh38, chr14:99,174,698, plus strand): 5'-CGTGCGTCCGTGAAGCCCAGGAAGGGGTCCTTCATGAAGTGCCGCGACGCCGCGTAGCCC[A>G]CCAGCCACTGCGAGTACACGTTCTCGGACGGGATGAGCGCGGCGGGCGGCAGCTCCAGGT-3'
Protein context (NP_612808.1, residues 703-723): PSENVYSQWL[Val713Ala]GYAASRHFMK